The following is an entry in ClinVar:

ClinVar aggregate classification (germline): Likely benign. Review status: criteria provided, single submitter (1 of 4 stars). 2 submissions from 2 submitters: Likely benign (1). 1 of the submissions does not count toward it. Last evaluated 2024-08-14.

Conditions:
INPP5E-related disorder. Also called: INPP5E-related condition.

Submissions (2):

Blueprint Genetics
Classification: Likely benign. Last evaluated: 2024-08-14. Review status: criteria provided, single submitter. Criteria: ACMG Guidelines, 2015. Collection method: clinical testing. Allele origin: germline.

PreventionGenetics, part of Exact Sciences
Classification: Likely benign for INPP5E-related condition. Last evaluated: 2021-08-17. Review status: no assertion criteria provided. Collection method: clinical testing. Allele origin: germline. Not counted in ClinVar's aggregate classification.
Comment: This variant is classified as likely benign based on ACMG/AMP sequence variant interpretation guidelines (Richards et al. 2015 PMID: 25741868, with internal and published modifications).

NM_019892.6(INPP5E):c.1803-40_1803-7del

Gene: INPP5E (inositol polyphosphate-5-phosphatase E; minus strand). Cytogenetic location: 9q34.3.
Variant type: Deletion.
Coding change: c.1803-40_1803-7del on transcript NM_019892.6 (MANE Select); 40 bases into the intron before coding-DNA position 1803 through 7 bases into the intron before coding-DNA position 1803, 34 bases deleted.
Molecular consequence: intron variant.
Genome position (GRCh38, 1-based): chr9:136,429,814-136,429,847, 34 bases deleted; deleting any 34 consecutive bases within chr9:136,429,814-136,429,870 gives the same sequence; the c. name uses the placement nearest the transcript's 3' end. GRCh37 (hg19): chr9:139,324,289-139,324,322.
Other names: c.1800-40_1800-7del (NM_001318502.2).
Identifiers: ClinVar variation 3035377 (VCV003035377.3), dbSNP rs1329220171, ClinGen allele CA5336643.